The following is an entry in ClinVar:

ClinVar aggregate classification (germline): Likely benign (0 of 4 stars; one submission).

Conditions:
P4HB-related disorder. Also called: P4HB-related condition.

Submission:

PreventionGenetics, part of Exact Sciences
Classification: Likely benign for P4HB-related condition. Last evaluated: 2022-08-10. Review status: no assertion criteria provided. Collection method: clinical testing. Allele origin: germline.
Comment: This variant is classified as likely benign based on ACMG/AMP sequence variant interpretation guidelines (Richards et al. 2015 PMID: 25741868, with internal and published modifications).

NM_000918.4(P4HB):c.558C>T (p.Ile186=)

Gene: P4HB (prolyl 4-hydroxylase subunit beta; minus strand). Cytogenetic location: 17q25.3.
Variant type: single nucleotide variant.
Coding change: c.558C>T on transcript NM_000918.4 (MANE Select); coding-DNA position 558, C replaced by T.
Protein change: p.Ile186=; no amino-acid change (isoleucine 186 retained).
Molecular consequence: synonymous variant.
Genome position (GRCh38, 1-based): chr17:81,855,208, G>A on the plus strand (C>T on the coding strand, the complement: P4HB is on the minus strand). VCF-style: chr17-81855208-G-A. GRCh37 (hg19) VCF-style: chr17-79813084-G-A.
Identifiers: ClinVar variation 3045418 (VCV003045418.2), dbSNP rs2509958020, ClinGen allele CA502313751.